The following is an entry in ClinVar:

NM_002444.3(MSN):c.698+5A>G

Gene: MSN (moesin; plus strand). Cytogenetic location: Xq12.
Variant type: single nucleotide variant.
Coding change: c.698+5A>G on transcript NM_002444.3 (MANE Select); 5 bases into the intron after coding-DNA position 698, A replaced by G.
Molecular consequence: intron variant.
Genome position (GRCh38, 1-based): chrX:65,731,989, A>G. VCF-style: chrX-65731989-A-G. GRCh37 (hg19) VCF-style: chrX-64951851-A-G.
Identifiers: ClinVar variation 1476819 (VCV001476819.6), dbSNP rs2147513850, ClinGen allele CA2573159021.
Genomic context (GRCh38, chrX:65,731,989, plus strand): 5'-GAGCTGTGGCTGGGGGTGGATGCCCTGGGTCTCAACATCTATGAGCAGAATGACAGGTAT[A>G]TCTCAGATCTCTTTTAGTTTATTTAGGTCACGTTAACATCTAGGGCTCACTTTTCACCAA-3'

ClinVar aggregate classification (germline): Uncertain significance (1 of 4 stars; one submission).

gnomAD v4.1: 8 of 1,201,538 alleles (0.00067%); highest among the groups gnomAD compares: Non-Finnish European, 0.0009%; no homozygotes.

Submission:

Labcorp Genetics (formerly Invitae), Labcorp
Classification: Uncertain significance. Last evaluated: 2021-09-21. Review status: criteria provided, single submitter. Criteria: Invitae Variant Classification Sherloc (09022015). Collection method: clinical testing. Allele origin: germline.
Comment: Variants that disrupt the consensus splice site are a relatively common cause of aberrant splicing (PMID: 17576681, 9536098). Algorithms developed to predict the effect of sequence changes on RNA splicing suggest that this variant may create or strengthen a splice site. In summary, the available evidence is currently insufficient to determine the role of this variant in disease. Therefore, it has been classified as a Variant of Uncertain Significance. This variant has not been reported in the literature in individuals affected with MSN-related conditions. This sequence change falls in intron 6 of the MSN gene. It does not directly change the encoded amino acid sequence of the MSN protein. It affects a nucleotide within the consensus splice site of the intron. This variant is not present in population databases (ExAC no frequency).

Literature cited by the submitters: PubMed 17576681; PubMed 9536098.